The following is an entry in ClinVar:

ClinVar aggregate classification (germline): Uncertain significance (1 of 4 stars; one submission).

Conditions:
Microcephaly-intellectual disability-sensorineural hearing loss-epilepsy-abnormal muscle tone syndrome (NEDHSB). Also called: NEURODEVELOPMENTAL DISORDER WITH HEARING LOSS, SEIZURES, AND BRAIN ABNORMALITIES. Identifiers: Orphanet 457351, MedGen C4225276, MONDO:0014698, OMIM 616577.

Allele frequency attached by ClinVar (database versions not stated): gnomAD exomes 0.00001; gnomAD 0.00002 and 0.00003; TOPMed 0.00003; ESP Exome Variant Server 0.00008.
gnomAD v4.1: 15 of 1,610,778 alleles (0.00093%); highest among the groups gnomAD compares: Non-Finnish European, 0.0012%; no homozygotes.

Submission:

Labcorp Genetics (formerly Invitae), Labcorp
Classification: Uncertain significance for Microcephaly-intellectual disability-sensorineural hearing loss-epilepsy-abnormal muscle tone syndrome. Last evaluated: 2022-08-23. Review status: criteria provided, single submitter. Criteria: Invitae Variant Classification Sherloc (09022015). Collection method: clinical testing. Allele origin: germline.
Comment: This sequence change replaces arginine, which is basic and polar, with serine, which is neutral and polar, at codon 472 of the SPATA5 protein (p.Arg472Ser). This variant is present in population databases (rs374480184, gnomAD 0.002%). This variant has not been reported in the literature in individuals affected with SPATA5-related conditions. ClinVar contains an entry for this variant (Variation ID: 845403). Advanced modeling of protein sequence and biophysical properties (such as structural, functional, and spatial information, amino acid conservation, physicochemical variation, residue mobility, and thermodynamic stability) performed at Invitae indicates that this missense variant is expected to disrupt SPATA5 protein function. In summary, the available evidence is currently insufficient to determine the role of this variant in disease. Therefore, it has been classified as a Variant of Uncertain Significance.

NM_145207.3(AFG2A):c.1416A>T (p.Arg472Ser)

Gene: AFG2A (AFG2 AAA ATPase homolog A; plus strand). Cytogenetic location: 4q28.1.
Variant type: single nucleotide variant.
Coding change: c.1416A>T on transcript NM_145207.3 (MANE Select); coding-DNA position 1416, A replaced by T.
Protein change: p.Arg472Ser; replaces arginine 472 with serine.
Molecular consequence: missense variant.
Genome position (GRCh38, 1-based): chr4:122,938,207, A>T. VCF-style: chr4-122938207-A-T. GRCh37 (hg19) VCF-style: chr4-123859362-A-T.
Other names: c.1413A>T, p.Arg471Ser (NM_001317799.2, NM_001345856.2); short protein forms R472S, R471S.
Identifiers: ClinVar variation 845403 (VCV000845403.4), dbSNP rs374480184, ClinGen allele CA104821429.
Genomic context (GRCh38, chr4:122,938,207, plus strand): 5'-TGATGAGCTGGATGCACTTTGTCCGAAAAGAGAGGGGGCCCAGAATGAAGTGGAAAAAAG[A>T]GTTGTGGCTTCACTCTTAACACTGATGGATGGCATTGGTTCAGTAAGTATAGCACTAGTA-3'
Protein context (NP_660208.2, residues 462-482): REGAQNEVEK[Arg472Ser]VVASLLTLMD